The following is an entry in ClinVar:

NM_001009944.3(PKD1):c.3814del (p.Thr1271_Val1272insTer)

Gene: PKD1 (polycystin 1, transient receptor potential channel interacting; minus strand). Cytogenetic location: 16p13.3.
Variant type: Deletion.
Coding change: c.3814del on transcript NM_001009944.3 (MANE Select); coding-DNA position 3814, one base deleted (G; older notation c.3814delG).
Protein change: p.Thr1271_Val1272insTer.
Molecular consequence: nonsense.
Genome position (GRCh38, 1-based): chr16:2,111,353, C deleted on the plus strand (G on the coding strand, the reverse complement: PKD1 is on the minus strand). VCF-style (leftmost placement, unchanged base first): chr16-2111352-AC-A. GRCh37 (hg19) VCF-style: chr16-2161353-AC-A.
Other names: c.3814delG (NM_001009944.3); c.3814del, p.Thr1271_Val1272insTer (NM_000296.4).
Identifiers: ClinVar variation 3768867 (VCV003768867.1).

ClinVar aggregate classification (germline): Pathogenic (1 of 4 stars; one submission).

Conditions:
Polycystic kidney disease, adult type (PKD1). Also called: Polycystic Kidney Disease 1, Autosomal Dominant; Polycystic kidney disease 1; Polycystic kidney disease 1, severe; POLYCYSTIC KIDNEY DISEASE, ADULT, TYPE I; Polycystic Kidney, Autosomal Dominant; POLYCYSTIC KIDNEY DISEASE 1 WITH OR WITHOUT POLYCYSTIC LIVER DISEASE. Identifiers: MedGen C3149841, MONDO:0008263, OMIM 173900.

Submission:

Women's Health and Genetics/Laboratory Corporation of America, LabCorp
Classification: Pathogenic for Polycystic kidney disease, adult type. Last evaluated: 2025-02-24. Review status: criteria provided, single submitter. Criteria: LabCorp Variant Classification Summary - May 2015. Collection method: clinical testing. Allele origin: germline.
Comment: Variant summary: PKD1 c.3814delG (p.Val1272X) results in a premature termination codon, predicted to cause absence of the protein due to nonsense mediated decay, which is a commonly known mechanism for disease. The variant was absent in 238728 control chromosomes. c.3814delG has been reported in the literature in four individuals affected with Autosomal dominant Polycystic Kidney Disease (example, Rossetti_2007). These data indicate that the variant is likely to be associated with disease. To our knowledge, no experimental evidence demonstrating an impact on protein function has been reported. The following publication has been ascertained in the context of this evaluation (PMID: 17582161). No submitters have cited clinical-significance assessments for this variant to ClinVar. Based on the evidence outlined above, the variant was classified as pathogenic.

Literature cited by the submitters: PubMed 17582161.